The following is an entry in ClinVar:

NM_032634.4(PIGO):c.2854+8del

Gene: PIGO (phosphatidylinositol glycan anchor biosynthesis class O; minus strand). Cytogenetic location: 9p13.3.
Variant type: Deletion.
Coding change: c.2854+8del on transcript NM_032634.4 (MANE Select); 8 bases into the intron after coding-DNA position 2854, one base deleted (C; older notation c.2854+8delC).
Molecular consequence: intron variant.
Genome position (GRCh38, 1-based): chr9:35,090,458, G deleted on the plus strand (C on the coding strand, the reverse complement: PIGO is on the minus strand); the first of 5 consecutive G bases (chr9:35,090,458-35,090,462); deleting any one gives the same sequence. VCF-style (leftmost placement, unchanged base first): chr9-35090457-AG-A. GRCh37 (hg19) VCF-style: chr9-35090454-AG-A.
Other names: c.2854+8delC (NM_032634.3); c.1603+8del (NM_152850.4, NM_001201484.2).
Identifiers: ClinVar variation 422809 (VCV000422809.9), dbSNP rs756312077, ClinGen allele CA5040324.
Genomic context (GRCh38, chr9:35,090,457, plus strand): 5'-TCCAGGGGTTTCCTTTCTTTCCACAAAGCCAGAGTAAACAATGGAAGCAAGTGAAGGAGG[AG>A]GGGGTACCTGCAAAGAGGAGGTGGGAGGCAAAGGTGTTGGCTCCCACTAGCAAAGCAGGC-3'

ClinVar aggregate classification (germline): Benign/Likely benign. Review status: criteria provided, multiple submitters, no conflicts (2 of 4 stars). 2 submissions from 2 submitters: Benign (1); Likely benign (1). Last evaluated 2025-07-03.

Conditions:
Hyperphosphatasia with impaired intellectual development syndrome 2. Also called: GLYCOSYLPHOSPHATIDYLINOSITOL BIOSYNTHESIS DEFECT 6; Hyperphosphatasia with intellectual disability syndrome 2. Identifiers: Orphanet 247262, MedGen C3553637, MONDO:0013882, OMIM 614749.

Submissions (2):

Labcorp Genetics (formerly Invitae), Labcorp
Classification: Benign for Hyperphosphatasia with impaired intellectual development syndrome 2. Last evaluated: 2025-07-03. Review status: criteria provided, single submitter. Criteria: Invitae Variant Classification Sherloc (09022015). Collection method: clinical testing. Allele origin: germline.

GeneDx
Classification: Likely benign. Last evaluated: 2016-11-30. Review status: criteria provided, single submitter. Criteria: GeneDx Variant Classification (06012015). Collection method: clinical testing. Allele origin: germline. Affected: yes.
Comment: This variant is considered likely benign or benign based on one or more of the following criteria: it is a conservative change, it occurs at a poorly conserved position in the protein, it is predicted to be benign by multiple in silico algorithms, and/or has population frequency not consistent with disease.